The following is an entry in ClinVar:

ClinVar aggregate classification (germline): Benign/Likely benign. Review status: criteria provided, multiple submitters, no conflicts (2 of 4 stars). 6 submissions from 5 submitters: Benign (2); Likely benign (3). 1 of the submissions does not count toward it. Last evaluated 2025-09-13.

Conditions:
ATP1A3-related disorder. Also called: ATP1A3-related condition; ATP1A3-related disorders. Identifiers: MedGen CN381097.
Alternating hemiplegia of childhood 2 (AHC2). Also called: Alternating Hemiplegia of Childhood (AHC). Identifiers: Orphanet 2131, MedGen C3553788, MONDO:0013900, OMIM 614820.
Dystonia 12 (DYT12). Also called: DYT-ATP1A3; Rapid-Onset Dystonia-Parkinsonism (RDP). Identifiers: Orphanet 71517, MedGen C1868681, MONDO:0007496, OMIM 128235.

Allele frequency attached by ClinVar (database versions not stated): gnomAD exomes 0.00004; TOPMed 0.00004; ExAC 0.00005; 1000 Genomes Project 30x 0.00031; 1000 Genomes Project 0.00040.
gnomAD v4.1: 67 of 1,614,130 alleles (0.0042%); highest among the groups gnomAD compares: African/African-American, 0.0093%; no homozygotes.

Submissions (6):

Labcorp Genetics (formerly Invitae), Labcorp
Classification: Likely benign for Dystonia 12. Last evaluated: 2025-09-13. Review status: criteria provided, single submitter. Criteria: Invitae Variant Classification Sherloc (09022015). Collection method: clinical testing. Allele origin: germline.

CeGaT Center for Human Genetics Tuebingen
Classification: Likely benign. Last evaluated: 2023-02-01. Review status: criteria provided, single submitter. Criteria: CeGaT Center For Human Genetics Tuebingen Variant Classification Criteria Version 2. Collection method: clinical testing. Allele origin: germline. Affected: yes. Observed: 3 variant alleles.
Comment: ATP1A3: BP4, BP7

Blueprint Genetics
Classification: Likely benign. Last evaluated: 2022-07-01. Review status: criteria provided, single submitter. Criteria: ACMG Guidelines, 2015. Collection method: clinical testing. Allele origin: germline.

Illumina Laboratory Services, Illumina
Classification: Benign for Alternating hemiplegia of childhood 2. Last evaluated: 2018-01-13. Review status: criteria provided, single submitter. Criteria: ICSL Variant Classification Criteria 13 December 2019. Collection method: clinical testing. Allele origin: germline.
Comment: This variant was observed in the ICSL laboratory as part of a predisposition screen in an ostensibly healthy population. It had not been previously curated by ICSL or reported in the Human Gene Mutation Database (HGMD: prior to June 1st, 2018), and was therefore a candidate for classification through an automated scoring system. Utilizing variant allele frequency, disease prevalence and penetrance estimates, and inheritance mode, an automated score was calculated to assess if this variant is too frequent to cause the disease. Based on the score and internal cut-off values, a variant classified as benign is not then subjected to further curation. The score for this variant resulted in a classification of benign for this disease.

Illumina Laboratory Services, Illumina
Classification: Benign for Dystonia 12. Last evaluated: 2018-01-13. Review status: criteria provided, single submitter. Criteria: ICSL Variant Classification Criteria 13 December 2019. Collection method: clinical testing. Allele origin: germline.
Comment: the same text as in the submission from Illumina Laboratory Services, Illumina above.

PreventionGenetics, part of Exact Sciences
Classification: Likely benign for ATP1A3-related condition. Last evaluated: 2024-08-16. Review status: no assertion criteria provided. Collection method: clinical testing. Allele origin: germline. Not counted in ClinVar's aggregate classification.
Comment: This variant is classified as likely benign based on ACMG/AMP sequence variant interpretation guidelines (Richards et al. 2015 PMID: 25741868, with internal and published modifications).

NM_152296.5(ATP1A3):c.2439G>A (p.Ala813=)

Gene: ATP1A3 (ATPase Na+/K+ transporting subunit alpha 3; minus strand). Cytogenetic location: 19q13.2.
Variant type: single nucleotide variant.
Coding change: c.2439G>A on transcript NM_152296.5 (MANE Select); coding-DNA position 2439, G replaced by A.
Protein change: p.Ala813=; no amino-acid change (alanine 813 retained).
Molecular consequence: synonymous variant.
Genome position (GRCh38, 1-based): chr19:41,970,288, C>T on the plus strand (G>A on the coding strand, the complement: ATP1A3 is on the minus strand). VCF-style: chr19-41970288-C-T. GRCh37 (hg19) VCF-style: chr19-42474440-C-T.
Other names: c.2472G>A, p.Ala824= (NM_001256213.2); c.2478G>A, p.Ala826= (NM_001256214.2); c.2478G>A (NM_001256214.1).
Identifiers: ClinVar variation 493263 (VCV000493263.56), dbSNP rs189555627, ClinGen allele CA9467382.